The following is an entry in ClinVar:

NM_000138.5(FBN1):c.4748-1G>A

Gene: FBN1 (fibrillin 1; minus strand). Cytogenetic location: 15q21.1.
Variant type: single nucleotide variant.
Coding change: c.4748-1G>A on transcript NM_000138.5 (MANE Select); the canonical splice acceptor site of the intron before coding-DNA position 4748, G replaced by A.
Molecular consequence: splice acceptor variant.
Genome position (GRCh38, 1-based): chr15:48,465,859, C>T on the plus strand (G>A on the coding strand, the complement: FBN1 is on the minus strand). VCF-style: chr15-48465859-C-T. GRCh37 (hg19) VCF-style: chr15-48758056-C-T.
Other names: c.4748-1G>A (NM_001406716.1).
Identifiers: ClinVar variation 1066300 (VCV001066300.9), dbSNP rs2141270027, ClinGen allele CA392351896.
Genomic context (GRCh38, chr15:48,465,859, plus strand): 5'-TAACGGTGATAGGATTTGGTCGGAAACCTTCCCCTCCAGGACAAAGAATTTTGTACTCGG[C>T]TATTGAAACAAAAATTCAAATTGAGTTGTTTTGAATCTAAAGTTTTTAGAAATAGTATCC-3'

ClinVar aggregate classification (germline): Likely pathogenic (1 of 4 stars; one submission).

Conditions:
Marfan syndrome (MFS). Also called: FBN1-Related Marfan Syndrome; MARFAN SYNDROME, TYPE I; Marfan syndrome type 1; Marfan's syndrome; Marfan syndrome, classic. Identifiers: Orphanet 284963, Orphanet 558, MedGen C0024796, MONDO:0007947, OMIM 154700.
Familial thoracic aortic aneurysm and aortic dissection (TAAD). Also called: Thoracic aortic aneurysms and dissections. Identifiers: Orphanet 91387, MedGen C4707243, MONDO:0019625.

Submission:

Labcorp Genetics (formerly Invitae), Labcorp
Classification: Likely pathogenic for Marfan syndrome; Familial thoracic aortic aneurysm and aortic dissection. Last evaluated: 2021-06-16. Review status: criteria provided, single submitter. Criteria: Invitae Variant Classification Sherloc (09022015). Collection method: clinical testing. Allele origin: germline.
Comment: Disruption of this splice site has been observed in individual(s) with clinical features of Marfan syndrome (PMID: 17657824, 25652356). Algorithms developed to predict the effect of sequence changes on RNA splicing suggest that this variant may disrupt the consensus splice site, but this prediction has not been confirmed by published transcriptional studies. Donor and acceptor splice site variants typically lead to a loss of protein function (PMID: 16199547), and loss-of-function variants in FBN1 are known to be pathogenic (PMID: 17657824, 19293843). In summary, the currently available evidence indicates that the variant is pathogenic, but additional data are needed to prove that conclusively. Therefore, this variant has been classified as Likely Pathogenic. This variant is not present in population databases (ExAC no frequency). This sequence change affects an acceptor splice site in intron 38 of the FBN1 gene. It is expected to disrupt RNA splicing and likely results in an absent or disrupted protein product.

Literature cited by the submitters: PubMed 17657824; PubMed 25652356; PubMed 16199547; PubMed 19293843.